The following is an entry in ClinVar:

NM_000330.4(RS1):c.136C>T (p.Pro46Ser)

Gene: RS1 (retinoschisin 1; minus strand). Cytogenetic location: Xp22.13.
Variant type: single nucleotide variant.
Coding change: c.136C>T on transcript NM_000330.4 (MANE Select); coding-DNA position 136, C replaced by T.
Protein change: p.Pro46Ser; replaces proline 46 with serine.
Molecular consequence: missense variant.
Genome position (GRCh38, 1-based): chrX:18,656,701, G>A on the plus strand (C>T on the coding strand, the complement: RS1 is on the minus strand). VCF-style: chrX-18656701-G-A. GRCh37 (hg19) VCF-style: chrX-18674821-G-A.
Other names: short protein forms P46S.
Identifiers: ClinVar variation 4693572 (VCV004693572.1).
Genomic context (GRCh38, chrX:18,656,701, plus strand): 5'-GGGGATACTCACCTGGTATACAGTCCAAGGAGGTGGCACCTGCAGACCACAGAGCATTGG[G>A]TCCTCCTTGGCAATCGCACTTGCATGCTTTTTGGTACCAGGGGTCCTCGCCTTCATCCTG-3'
Protein context (NP_000321.1, residues 36-56): KACKCDCQGG[Pro46Ser]NALWSAGATS

ClinVar aggregate classification (germline): Uncertain significance (1 of 4 stars; one submission).

Submission:

Labcorp Genetics (formerly Invitae), Labcorp
Classification: Uncertain significance. Last evaluated: 2025-08-03. Review status: criteria provided, single submitter. Criteria: Invitae Variant Classification Sherloc (09022015). Collection method: clinical testing. Allele origin: germline.
Comment: This sequence change replaces proline, which is neutral and non-polar, with serine, which is neutral and polar, at codon 46 of the RS1 protein (p.Pro46Ser). This variant is not present in population databases (gnomAD no frequency). This variant has not been reported in the literature in individuals affected with RS1-related conditions. Invitae Evidence Modeling of protein sequence and biophysical properties (such as structural, functional, and spatial information, amino acid conservation, physicochemical variation, residue mobility, and thermodynamic stability) indicates that this missense variant is not expected to disrupt RS1 protein function with a negative predictive value of 95%. In summary, the available evidence is currently insufficient to determine the role of this variant in disease. Therefore, it has been classified as a Variant of Uncertain Significance.